The following is an entry in ClinVar:

ClinVar aggregate classification (germline): Uncertain significance (1 of 4 stars; one submission).

Submission:

Laboratory for Molecular Medicine, Mass General Brigham Personalized Medicine
Classification: Uncertain significance. Last evaluated: 2014-12-24. Review status: criteria provided, single submitter. Criteria: LMM Criteria. Collection method: clinical testing. Allele origin: germline. Observed: 2 variant alleles.
Comment: Variant classified as Uncertain Significance - Favor Pathogenic. The p.Leu399fs variant in ESRRB has not been previously reported in individuals with hearing lo ss and was absent from large population studies. This variant is predicted to ca use a frameshift, which alters the protein?s amino acid sequence beginning at po sition 399 resulting in a new reading frame that terminates 122 amino acids down stream. This will produce an elongated, abnormal protein that alters the last 10 9 amino acids of the normal protein and extends 22 amino acids beyond the normal termination site. Loss of function variants in ESRRB have been associated with autosomal recessive sensorineural hearing loss; however, functional studies are needed to determine if this variant causes a loss of function, a gain of functio n, or if it does not significantly impact the normal function of the protein. In summary, while there is suspicion for a pathogenic role for the p.Leu399fs vari ant, due to the uncertainty of its impact on protein function, the clinical sign ificance is uncertain.

NM_001379180.1(ESRRB):c.1259del (p.Leu420fs)

Gene: ESRRB (estrogen related receptor beta; plus strand). Cytogenetic location: 14q24.3.
Variant type: Deletion.
Coding change: c.1259del on transcript NM_001379180.1 (MANE Select); coding-DNA position 1259, one base deleted (T; older notation c.1259delT).
Protein change: p.Leu420fs; shifts the reading frame from leucine 420.
Molecular consequence: frameshift variant.
Genome position (GRCh38, 1-based): chr14:76,498,352, T deleted. VCF-style (leftmost placement, unchanged base first): chr14-76498351-CT-C. GRCh37 (hg19) VCF-style: chr14-76964694-CT-C.
Other names: c.1196delT (NM_004452.3); c.1196del, p.Leu399fs (NM_004452.4); short protein forms L399fs, L420fs.
Identifiers: ClinVar variation 228672 (VCV000228672.4), dbSNP rs876657807, ClinGen allele CA10576973.